The following is an entry in ClinVar:

ClinVar aggregate classification (germline): Conflicting classifications of pathogenicity. Review status: criteria provided, conflicting classifications (1 of 4 stars). 2 submissions from 2 submitters: Uncertain significance (1); Likely benign (1). Last evaluated 2025-09-12.

Conditions:
Inborn genetic diseases. Identifiers: MedGen C0950123, MeSH D030342.

Allele frequency attached by ClinVar (database versions not stated): TOPMed 0.00003; gnomAD 0.00004 and 0.00005; gnomAD exomes 0.00005 and 0.00007; ExAC 0.00011; ESP Exome Variant Server 0.00015.

Submissions (2):

Labcorp Genetics (formerly Invitae), Labcorp
Classification: Uncertain significance. Last evaluated: 2025-09-12. Review status: criteria provided, single submitter. Criteria: Invitae Variant Classification Sherloc (09022015). Collection method: clinical testing. Allele origin: germline.
Comment: This sequence change replaces valine, which is neutral and non-polar, with isoleucine, which is neutral and non-polar, at codon 383 of the CAMK2B protein (p.Val383Ile). This variant is present in population databases (rs370415166, gnomAD 0.01%). This variant has not been reported in the literature in individuals affected with CAMK2B-related conditions. ClinVar contains an entry for this variant (Variation ID: 1514911). An algorithm developed to predict the effect of missense changes on protein structure and function (PolyPhen-2) suggests that this variant is likely to be tolerated. In summary, the available evidence is currently insufficient to determine the role of this variant in disease. Therefore, it has been classified as a Variant of Uncertain Significance.

Ambry Genetics
Classification: Likely benign for Inborn genetic diseases. Last evaluated: 2024-08-01. Review status: criteria provided, single submitter. Criteria: Ambry Variant Classification Scheme 2023. Collection method: clinical testing. Allele origin: germline.

NM_001220.5(CAMK2B):c.1147G>A (p.Val383Ile)

Gene: CAMK2B (calcium/calmodulin dependent protein kinase II beta; minus strand). Cytogenetic location: 7p13.
Variant type: single nucleotide variant.
Coding change: c.1147G>A on transcript NM_001220.5 (MANE Select); coding-DNA position 1147, G replaced by A.
Protein change: p.Val383Ile; replaces valine 383 with isoleucine.
Molecular consequence: missense variant. On other transcripts: intron variant (3).
Genome position (GRCh38, 1-based): chr7:44,232,851, C>T on the plus strand (G>A on the coding strand, the complement: CAMK2B is on the minus strand). VCF-style: chr7-44232851-C-T. GRCh37 (hg19) VCF-style: chr7-44272450-C-T.
Other names: c.1147G>A, p.Val383Ile (NM_001293170.2, NM_172078.3); c.1075G>A, p.Val359Ile (NM_172079.3, NM_172082.3); c.1072G>A, p.Val358Ile (NM_172080.3); c.946+7856G>A (NM_172084.3); c.987+1788G>A (NM_172083.3); c.1059+1539G>A (NM_172081.3); c.1147G>A (NM_001220.4); short protein forms V358I, V359I, V383I.
Identifiers: ClinVar variation 1514911 (VCV001514911.7), dbSNP rs370415166, ClinGen allele CA4240448.
Genomic context (GRCh38, chr7:44,232,851, plus strand): 5'-GGAAAGCGGGAGGAGGAAAGTGGGGCAGTACCTTAATCCCGTCCACTGGGTTATGGATGA[C>T]GGTGGTTTGAGGCTCCTACAGAAGAAGGAAGACACAGAGGAAGGAAAGAGAGGGAAAGTG-3'
Protein context (NP_001211.3, residues 373-393): PPAALEPQTT[Val383Ile]IHNPVDGIKE